The following is an entry in ClinVar:

NM_001211.6(BUB1B):c.580C>G (p.Arg194Gly)

Gene: BUB1B (BUB1 mitotic checkpoint serine/threonine kinase B; plus strand). Cytogenetic location: 15q15.1.
Variant type: single nucleotide variant.
Coding change: c.580C>G on transcript NM_001211.6 (MANE Select); coding-DNA position 580, C replaced by G.
Protein change: p.Arg194Gly; replaces arginine 194 with glycine.
Molecular consequence: missense variant.
Genome position (GRCh38, 1-based): chr15:40,176,672, C>G. VCF-style: chr15-40176672-C-G. GRCh37 (hg19) VCF-style: chr15-40468873-C-G.
Other names: short protein forms R194G.
Identifiers: ClinVar variation 2560837 (VCV002560837.2), dbSNP rs28989186, ClinGen allele CA391681598.

ClinVar aggregate classification (germline): Uncertain significance (1 of 4 stars; one submission).

Conditions:
Inborn genetic diseases. Identifiers: MedGen C0950123, MeSH D030342.

gnomAD v4.1: 3 of 1,613,738 alleles (0.00019%); highest among the groups gnomAD compares: Non-Finnish European, 0.00025%; no homozygotes.

Submission:

Ambry Genetics
Classification: Uncertain significance for Inborn genetic diseases. Last evaluated: 2023-04-18. Review status: criteria provided, single submitter. Criteria: Ambry Variant Classification Scheme 2023. Collection method: clinical testing. Allele origin: germline.
Comment: The p.R194G variant (also known as c.580C>G), located in coding exon 5 of the BUB1B gene, results from a C to G substitution at nucleotide position 580. The arginine at codon 194 is replaced by glycine, an amino acid with dissimilar properties. This amino acid position is conserved. In addition, this alteration is predicted to be tolerated by in silico analysis. Since supporting evidence is limited at this time, the clinical significance of this alteration remains unclear.